The following is an entry in ClinVar:

ClinVar aggregate classification (germline): Uncertain significance (1 of 4 stars; one submission).

Submission:

Ambry Genetics
Classification: Uncertain significance. Last evaluated: 2024-12-06. Review status: criteria provided, single submitter. Criteria: Ambry Variant Classification Scheme 2023. Collection method: clinical testing. Allele origin: germline.
Comment: The p.H556D variant (also known as c.1666C>G), located in coding exon 8 of the RNF43 gene, results from a C to G substitution at nucleotide position 1666. The histidine at codon 556 is replaced by aspartic acid, an amino acid with similar properties. This amino acid position is conserved. In addition, this alteration is predicted to be tolerated by in silico analysis. Based on the available evidence, the clinical significance of this variant remains unclear.

NM_017763.6(RNF43):c.1666C>G (p.His556Asp)

Gene: RNF43 (ring finger protein 43; minus strand). Cytogenetic location: 17q22.
Variant type: single nucleotide variant.
Coding change: c.1666C>G on transcript NM_017763.6 (MANE Select); coding-DNA position 1666, C replaced by G.
Protein change: p.His556Asp; replaces histidine 556 with aspartic acid.
Molecular consequence: missense variant.
Genome position (GRCh38, 1-based): chr17:58,358,110, G>C on the plus strand (C>G on the coding strand, the complement: RNF43 is on the minus strand). VCF-style: chr17-58358110-G-C. GRCh37 (hg19) VCF-style: chr17-56435471-G-C.
Other names: c.1666C>G, p.His556Asp (NM_001305544.3); c.1285C>G, p.His429Asp (NM_001305545.2); short protein forms H556D, H429D.
Identifiers: ClinVar variation 3434543 (VCV003434543.1).